The following is an entry in ClinVar:

ClinVar aggregate classification (germline): Uncertain significance. Review status: criteria provided, multiple submitters, no conflicts (2 of 4 stars). 3 submissions from 3 submitters: Uncertain significance (2). 1 of the submissions does not count toward it. Last evaluated 2025-04-11.

Conditions:
Dyskeratosis congenita. Identifiers: Orphanet 1775, MedGen C0265965, MONDO:0015780.
Inborn genetic diseases. Identifiers: MedGen C0950123, MeSH D030342.
Dyskeratosis congenita, autosomal recessive 5 (DKCB5). Identifiers: MedGen C3554656, MONDO:0014076, OMIM 615190.
Pulmonary fibrosis and/or bone marrow failure, Telomere-related, 3. Also called: PULMONARY FIBROSIS AND/OR BONE MARROW FAILURE SYNDROME, TELOMERE-RELATED, 3. Identifiers: Orphanet 2032, MedGen C4225346, MONDO:0014613, OMIM 616373.

Submissions (3):

Ambry Genetics
Classification: Uncertain significance for Inborn genetic diseases. Last evaluated: 2025-04-11. Review status: criteria provided, single submitter. Criteria: Ambry Variant Classification Scheme 2023. Collection method: clinical testing. Allele origin: germline.
Comment: The p.H1058D variant (also known as c.3172C>G), located in coding exon 31 of the RTEL1 gene, results from a C to G substitution at nucleotide position 3172. The histidine at codon 1058 is replaced by aspartic acid, an amino acid with similar properties. This amino acid position is conserved. In addition, this alteration is predicted to be tolerated by in silico analysis. Based on the available evidence, the clinical significance of this variant remains unclear.

Labcorp Genetics (formerly Invitae), Labcorp
Classification: Uncertain significance for Dyskeratosis congenita, autosomal recessive 5; Pulmonary fibrosis and/or bone marrow failure, Telomere-related, 3. Last evaluated: 2025-03-05. Review status: criteria provided, single submitter. Criteria: Invitae Variant Classification Sherloc (09022015). Collection method: clinical testing. Allele origin: germline.
Comment: This sequence change replaces histidine, which is basic and polar, with aspartic acid, which is acidic and polar, at codon 1058 of the RTEL1 protein (p.His1058Asp). This variant is not present in population databases (gnomAD no frequency). This variant has not been reported in the literature in individuals affected with RTEL1-related conditions. An algorithm developed to predict the effect of missense changes on protein structure and function (PolyPhen-2) suggests that this variant is likely to be tolerated. In summary, the available evidence is currently insufficient to determine the role of this variant in disease. Therefore, it has been classified as a Variant of Uncertain Significance.

Natera, Inc.
Classification: Uncertain significance for Dyskeratosis congenita. Last evaluated: 2025-04-10. Review status: no assertion criteria provided. Collection method: clinical testing. Allele origin: germline. Not counted in ClinVar's aggregate classification.

NM_001283009.2(RTEL1):c.3172C>G (p.His1058Asp)

Genes: RTEL1 (regulator of telomere elongation helicase 1; plus strand), RTEL1-TNFRSF6B (RTEL1-TNFRSF6B readthrough (NMD candidate); plus strand). Cytogenetic location: 20q13.33.
Variant type: single nucleotide variant.
Coding change: c.3172C>G on transcript NM_001283009.2 (MANE Select); coding-DNA position 3172, C replaced by G.
Protein change: p.His1058Asp; replaces histidine 1058 with aspartic acid.
Molecular consequence: missense variant. On other transcripts: non-coding transcript variant (1).
Genome position (GRCh38, 1-based): chr20:63,694,803, C>G. VCF-style: chr20-63694803-C-G. GRCh37 (hg19) VCF-style: chr20-62326156-C-G.
Other names: c.2503C>G, p.His835Asp (NM_001283010.1); c.3172C>G, p.His1058Asp (NM_016434.4); c.3244C>G, p.His1082Asp (NM_032957.5); c.3244C>G (NM_032957.4); short protein forms H1082D, H1058D, H835D.
Identifiers: ClinVar variation 3948318 (VCV003948318.3).